The following is an entry in ClinVar:

NM_032601.4(MCEE):c.345C>A (p.Asn115Lys)

Gene: MCEE (methylmalonyl-CoA epimerase; minus strand). Cytogenetic location: 2p13.3.
Variant type: single nucleotide variant.
Coding change: c.345C>A on transcript NM_032601.4 (MANE Select); coding-DNA position 345, C replaced by A.
Protein change: p.Asn115Lys; replaces asparagine 115 with lysine.
Molecular consequence: missense variant.
Genome position (GRCh38, 1-based): chr2:71,124,239, G>T on the plus strand (C>A on the coding strand, the complement: MCEE is on the minus strand). VCF-style: chr2-71124239-G-T. GRCh37 (hg19) VCF-style: chr2-71351369-G-T.
Other names: c.345C>A (NM_032601.3); short protein forms N115K.
Identifiers: ClinVar variation 1064290 (VCV001064290.8), dbSNP rs548542949, ClinGen allele CA1702602.
Genomic context (GRCh38, chr2:71,124,239, plus strand): 5'-TACCAGGCATTAAAATAATTAAAATACCTCGATGCAGATGTGATGCATTCCTCCAGCCTT[G>T]TTTTTCTGCAGAAAACCTGCAATTGGACTGTCACGTCCCAATGGATGAAGCAGTTCCATC-3'
Protein context (NP_115990.3, residues 105-125): DSPIAGFLQK[Asn115Lys]KAGGMHHICI

ClinVar aggregate classification (germline): Uncertain significance. Review status: criteria provided, multiple submitters, no conflicts (2 of 4 stars). 3 submissions from 3 submitters: Uncertain significance (3). Last evaluated 2023-08-04.

Conditions:
Inborn genetic diseases. Identifiers: MedGen C0950123, MeSH D030342.
Methylmalonic acidemia due to methylmalonyl-CoA epimerase deficiency. Also called: METHYLMALONIC ACIDURIA III; METHYLMALONYL-CoA RACEMASE DEFICIENCY; Methylmalonyl-CoA Epimerase Deficiency. Identifiers: Orphanet 308425, MedGen C1855100, MONDO:0009615, OMIM 251120.

Allele frequency attached by ClinVar (database versions not stated): gnomAD 0.00001; gnomAD exomes 0.00008; ExAC 0.00009.
gnomAD v4.1: 56 of 1,613,886 alleles (0.0035%); highest among the groups gnomAD compares: South Asian, 0.051%; 1 homozygote.

Submissions (3):

Ambry Genetics
Classification: Uncertain significance for Inborn genetic diseases. Last evaluated: 2023-08-04. Review status: criteria provided, single submitter. Criteria: Ambry Variant Classification Scheme 2023. Collection method: clinical testing. Allele origin: germline.

Labcorp Genetics (formerly Invitae), Labcorp
Classification: Uncertain significance for Methylmalonic acidemia due to methylmalonyl-CoA epimerase deficiency. Last evaluated: 2021-08-20. Review status: criteria provided, single submitter. Criteria: Invitae Variant Classification Sherloc (09022015). Collection method: clinical testing. Allele origin: germline.
Comment: This sequence change replaces asparagine with lysine at codon 115 of the MCEE protein (p.Asn115Lys). The asparagine residue is highly conserved and there is a moderate physicochemical difference between asparagine and lysine. This variant is present in population databases (rs548542949, ExAC 0.07%). This variant has not been reported in the literature in individuals affected with MCEE-related conditions. Algorithms developed to predict the effect of missense changes on protein structure and function (SIFT, PolyPhen-2, Align-GVGD) all suggest that this variant is likely to be disruptive. In summary, the available evidence is currently insufficient to determine the role of this variant in disease. Therefore, it has been classified as a Variant of Uncertain Significance.

Fulgent Genetics
Classification: Uncertain significance for Methylmalonic acidemia due to methylmalonyl-CoA epimerase deficiency. Last evaluated: 2021-08-10. Review status: criteria provided, single submitter. Criteria: ACMG Guidelines, 2015. Collection method: clinical testing. Allele origin: unknown.